The following is an entry in ClinVar:

NM_003587.5(DHX16):c.2471T>A (p.Leu824Gln)

Gene: DHX16 (DEAH-box helicase 16; minus strand). Cytogenetic location: 6p21.33.
Variant type: single nucleotide variant.
Coding change: c.2471T>A on transcript NM_003587.5 (MANE Select); coding-DNA position 2471, T replaced by A.
Protein change: p.Leu824Gln; replaces leucine 824 with glutamine.
Molecular consequence: missense variant.
Genome position (GRCh38, 1-based): chr6:30,656,225, A>T on the plus strand (T>A on the coding strand, the complement: DHX16 is on the minus strand). VCF-style: chr6-30656225-A-T. GRCh37 (hg19) VCF-style: chr6-30624002-A-T.
Other names: c.2291T>A, p.Leu764Gln (NM_001164239.2); c.1028T>A, p.Leu343Gln (NM_001363515.2); short protein forms L764Q, L343Q, L824Q.
Identifiers: ClinVar variation 4839919 (VCV004839919.1).

ClinVar aggregate classification (germline): Uncertain significance (1 of 4 stars; one submission).

Conditions:
Inborn genetic diseases. Identifiers: MedGen C0950123, MeSH D030342.

gnomAD v4.1: 1 of 1,613,480 alleles (0.000062%); highest among the groups gnomAD compares: Non-Finnish European, 0.000085%; no homozygotes.

Submission:

Ambry Genetics
Classification: Uncertain significance for Inborn genetic diseases. Last evaluated: 2026-02-16. Review status: criteria provided, single submitter. Criteria: Ambry Variant Classification Scheme 2023. Collection method: clinical testing. Allele origin: germline.
Comment: The c.2471T>A (p.L824Q) alteration is located in exon 16 (coding exon 16) of the DHX16 gene. This alteration results from a T to A substitution at nucleotide position 2471, causing the leucine (L) at amino acid position 824 to be replaced by a glutamine (Q). Based on data from gnomAD, the A allele has an overall frequency of <0.001% (1/247142) total alleles studied. The highest observed frequency was 0.001% (1/111026) of European (non-Finnish) alleles. Based on insufficient or conflicting evidence, the clinical significance of this alteration remains unclear.